The following is an entry in ClinVar:

ClinVar aggregate classification (germline): Uncertain significance. Review status: criteria provided, multiple submitters, no conflicts (2 of 4 stars). 4 submissions from 3 submitters: Uncertain significance (4). Last evaluated 2024-12-05.

Conditions:
Spherocytosis. Identifiers: MedGen C0553720, HP:0004444.
Hereditary spherocytosis type 1. Also called: Spherocytosis type 1; ANK1-Related Spherocytosis. Identifiers: Orphanet 822, MedGen C2674218, MONDO:0008447, OMIM 182900.

Allele frequency attached by ClinVar (database versions not stated): ExAC 0.00001; gnomAD exomes 0.00002 and 0.00004; TOPMed 0.00003; gnomAD 0.00004; ESP Exome Variant Server 0.00008.

Submissions (4):

Mayo Clinic Laboratories, Mayo Clinic
Classification: Uncertain significance. Last evaluated: 2024-12-05. Review status: criteria provided, single submitter. Criteria: ACMG Guidelines, 2015. Collection method: clinical testing. Allele origin: germline. Observed: 1 variant allele.
Comment: BP4, PM2_supporting

Labcorp Genetics (formerly Invitae), Labcorp
Classification: Uncertain significance. Last evaluated: 2022-10-25. Review status: criteria provided, single submitter. Criteria: Invitae Variant Classification Sherloc (09022015). Collection method: clinical testing. Allele origin: germline.
Comment: Advanced modeling of protein sequence and biophysical properties (such as structural, functional, and spatial information, amino acid conservation, physicochemical variation, residue mobility, and thermodynamic stability) performed at Invitae indicates that this missense variant is expected to disrupt ANK1 protein function. This sequence change replaces arginine, which is basic and polar, with histidine, which is basic and polar, at codon 1001 of the ANK1 protein (p.Arg1001His). This variant is present in population databases (rs144724635, gnomAD 0.03%). This variant has not been reported in the literature in individuals affected with ANK1-related conditions. ClinVar contains an entry for this variant (Variation ID: 909142). In summary, the available evidence is currently insufficient to determine the role of this variant in disease. Therefore, it has been classified as a Variant of Uncertain Significance.

Illumina Laboratory Services, Illumina
Classification: Uncertain significance for Spherocytosis. Last evaluated: 2018-01-13. Review status: criteria provided, single submitter. Criteria: ICSL Variant Classification Criteria 13 December 2019. Collection method: clinical testing. Allele origin: germline.

Illumina Laboratory Services, Illumina
Classification: Uncertain significance for Hereditary spherocytosis type 1. Last evaluated: 2018-01-13. Review status: criteria provided, single submitter. Criteria: ICSL Variant Classification Criteria 13 December 2019. Collection method: clinical testing. Allele origin: germline.

NM_000037.4(ANK1):c.3002G>A (p.Arg1001His)

Gene: ANK1 (ankyrin 1; minus strand). Cytogenetic location: 8p11.21.
Variant type: single nucleotide variant.
Coding change: c.3002G>A on transcript NM_000037.4 (MANE Select); coding-DNA position 3002, G replaced by A.
Protein change: p.Arg1001His; replaces arginine 1001 with histidine.
Molecular consequence: missense variant.
Genome position (GRCh38, 1-based): chr8:41,695,290, C>T on the plus strand (G>A on the coding strand, the complement: ANK1 is on the minus strand). VCF-style: chr8-41695290-C-T. GRCh37 (hg19) VCF-style: chr8-41552808-C-T.
Other names: p.Arg1001His; c.3125G>A, p.Arg1042His (NM_001142446.2); c.3002G>A, p.Arg1001His (NM_020475.3, NM_020476.3, NM_020477.3); short protein forms R1001H, R1042H.
Identifiers: ClinVar variation 909142 (VCV000909142.9), dbSNP rs144724635, ClinGen allele CA4728007.